The following is an entry in ClinVar:

NM_000236.3(LIPC):c.412C>T (p.Arg138Cys)

Gene: LIPC (lipase C, hepatic type; plus strand). Cytogenetic location: 15q21.3.
Variant type: single nucleotide variant.
Coding change: c.412C>T on transcript NM_000236.3 (MANE Select); coding-DNA position 412, C replaced by T.
Protein change: p.Arg138Cys; replaces arginine 138 with cysteine.
Molecular consequence: missense variant.
Genome position (GRCh38, 1-based): chr15:58,541,923, C>T. VCF-style: chr15-58541923-C-T. GRCh37 (hg19) VCF-style: chr15-58834122-C-T.
Other names: short protein forms R138C.
Identifiers: ClinVar variation 2556376 (VCV002556376.3), dbSNP rs200324727, ClinGen allele CA7584832.

ClinVar aggregate classification (germline): Uncertain significance. Review status: criteria provided, multiple submitters, no conflicts (2 of 4 stars). 2 submissions from 2 submitters: Uncertain significance (2). Last evaluated 2026-01-18.

Allele frequency attached by ClinVar (database versions not stated): TOPMed 0.00003; gnomAD exomes 0.00005; gnomAD 0.00007; ExAC 0.00012.
gnomAD v4.1: 84 of 1,611,742 alleles (0.0052%); highest among the groups gnomAD compares: East Asian, 0.013%; no homozygotes.

Submissions (2):

Labcorp Genetics (formerly Invitae), Labcorp
Classification: Uncertain significance. Last evaluated: 2026-01-18. Review status: criteria provided, single submitter. Criteria: Invitae Variant Classification Sherloc (09022015). Collection method: clinical testing. Allele origin: germline.
Comment: This sequence change replaces arginine, which is basic and polar, with cysteine, which is neutral and slightly polar, at codon 138 of the LIPC protein (p.Arg138Cys). This variant is present in population databases (rs200324727, gnomAD 0.07%), and has an allele count higher than expected for a pathogenic variant. This missense change has been observed in individual(s) with dyslipidemia (PMID: 36325899). ClinVar contains an entry for this variant (Variation ID: 2556376). Invitae Evidence Modeling of protein sequence and biophysical properties (such as structural, functional, and spatial information, amino acid conservation, physicochemical variation, residue mobility, and thermodynamic stability) indicates that this missense variant is expected to disrupt LIPC protein function with a positive predictive value of 80%. In summary, the available evidence is currently insufficient to determine the role of this variant in disease. Therefore, it has been classified as a Variant of Uncertain Significance.

Ambry Genetics
Classification: Uncertain significance. Last evaluated: 2023-06-12. Review status: criteria provided, single submitter. Criteria: Ambry Variant Classification Scheme 2023. Collection method: clinical testing. Allele origin: germline.
Comment: Does not currently meet published gene-disease clinical validity criteria Based on insufficient or conflicting evidence, the clinical significance of this alteration remains unclear.

Literature cited by the submitters: PubMed 36325899 (cited by Labcorp Genetics (formerly Invitae), Labcorp); PubMed 28106320 (cited by Ambry Genetics); PubMed 29084231 (cited by Ambry Genetics).